The following is an entry in ClinVar:

ClinVar aggregate classification (germline): Benign/Likely benign. Review status: criteria provided, multiple submitters, no conflicts (2 of 4 stars). 4 submissions from 4 submitters: Benign (2); Likely benign (1). 1 of the submissions does not count toward it. Last evaluated 2025-12-11.

Conditions:
MESP1-related disorder. Also called: MESP1-related condition.

Allele frequency attached by ClinVar (database versions not stated): 1000 Genomes Project 30x 0.00187; 1000 Genomes Project 0.00220; TOPMed 0.00454; gnomAD exomes 0.00465; ESP Exome Variant Server 0.00493; gnomAD 0.00523 and 0.00540; ExAC 0.00903.
gnomAD v4.1: 10,873 of 1,498,884 alleles (0.73%); highest among the groups gnomAD compares: Non-Finnish European, 0.88%; 57 homozygotes.

Submissions (4):

Labcorp Genetics (formerly Invitae), Labcorp
Classification: Benign. Last evaluated: 2025-12-11. Review status: criteria provided, single submitter. Criteria: Invitae Variant Classification Sherloc (09022015). Collection method: clinical testing. Allele origin: germline.

CeGaT Center for Human Genetics Tuebingen
Classification: Likely benign. Last evaluated: 2022-04-01. Review status: criteria provided, single submitter. Criteria: CeGaT Center For Human Genetics Tuebingen Variant Classification Criteria Version 2. Collection method: clinical testing. Allele origin: germline. Affected: yes. Observed: 1 variant allele.
Comment: MESP1: BP4, BP7

Breakthrough Genomics
Classification: Benign. Review status: criteria provided, single submitter. Criteria: ACMG Guidelines, 2015. Collection method: not provided. Allele origin: germline. Inheritance: Unknown mechanism. Affected: yes.

PreventionGenetics, part of Exact Sciences
Classification: Likely benign for MESP1-related condition. Last evaluated: 2019-03-01. Review status: no assertion criteria provided. Collection method: clinical testing. Allele origin: germline. Not counted in ClinVar's aggregate classification.
Comment: This variant is classified as likely benign based on ACMG/AMP sequence variant interpretation guidelines (Richards et al. 2015 PMID: 25741868, with internal and published modifications).

NM_018670.4(MESP1):c.345C>T (p.Pro115=)

Genes: MESP1 (mesoderm posterior bHLH transcription factor 1; minus strand), LOC130057889 (ATAC-STARR-seq lymphoblastoid silent region 6804; plus strand). Cytogenetic location: 15q26.1.
Variant type: single nucleotide variant.
Coding change: c.345C>T on transcript NM_018670.4 (MANE Select); coding-DNA position 345, C replaced by T.
Protein change: p.Pro115=; no amino-acid change (proline 115 retained).
Molecular consequence: synonymous variant.
Genome position (GRCh38, 1-based): chr15:89,750,887, G>A on the plus strand (C>T on the coding strand, the complement: MESP1 is on the minus strand). VCF-style: chr15-89750887-G-A. GRCh37 (hg19) VCF-style: chr15-90294118-G-A.
Other names: c.345C>T (NM_018670.3).
Identifiers: ClinVar variation 1539215 (VCV001539215.34), dbSNP rs140683208, ClinGen allele CA7730228.
Genomic context (GRCh38, chr15:89,750,887, plus strand): 5'-GTGGCCGATATAGCGGATAGCCAGGCGCAGCGTCTCGATCTTGGTCAGGCTCTGGCCCGC[G>A]GGCGCCACGGACGGCGGTAGAAAGCGGCGCAGCTCGTGCAGGGCGCGGGCCAGCGTGCGC-3'
Protein context (NP_061140.1, residues 105-125): LRRFLPPSVA[Pro115=]AGQSLTKIET